The following is an entry in ClinVar:

NM_032043.3(BRIP1):c.140C>G (p.Pro47Arg)

Gene: BRIP1 (BRCA1 interacting DNA helicase 1; minus strand). Cytogenetic location: 17q23.2.
Variant type: single nucleotide variant.
Coding change: c.140C>G on transcript NM_032043.3 (MANE Select); coding-DNA position 140, C replaced by G.
Protein change: p.Pro47Arg; replaces proline 47 with arginine.
Molecular consequence: missense variant.
Genome position (GRCh38, 1-based): chr17:61,859,861, G>C on the plus strand (C>G on the coding strand, the complement: BRIP1 is on the minus strand). VCF-style: chr17-61859861-G-C. GRCh37 (hg19) VCF-style: chr17-59937222-G-C.
Other names: short protein forms P47R.
Identifiers: ClinVar variation 3482466 (VCV003482466.2).

ClinVar aggregate classification (germline): Uncertain significance. Review status: criteria provided, multiple submitters, no conflicts (2 of 4 stars). 2 submissions from 2 submitters: Uncertain significance (2). Last evaluated 2025-11-21.

Conditions:
Hereditary cancer-predisposing syndrome. Also called: Tumor predisposition; Neoplastic Syndromes, Hereditary; Hereditary Cancer Syndrome; Hereditary neoplastic syndrome. Identifiers: Orphanet 140162, MedGen C0027672, MeSH D009386, MONDO:0015356.

gnomAD v4.1: 1 of 1,613,784 alleles (0.000062%); highest among the groups gnomAD compares: Non-Finnish European, 0.000085%; no homozygotes.

Submissions (2):

Women's Health and Genetics/Laboratory Corporation of America, LabCorp
Classification: Uncertain significance. Last evaluated: 2025-11-21. Review status: criteria provided, single submitter. Criteria: LabCorp Variant Classification Summary - May 2015. Collection method: clinical testing. Allele origin: germline.
Comment: Variant summary: BRIP1 c.140C>G (p.Pro47Arg) results in a non-conservative amino acid change in the encoded protein sequence. Algorithms developed to predict the effect of missense changes on protein structure and function all suggest that this variant is likely to be disruptive. The variant was absent in 251410 control chromosomes. The available data on variant occurrences in the general population are insufficient to allow any conclusion about variant significance. To our knowledge, no occurrence of c.140C>G in individuals affected with BRIP1-related conditions and no experimental evidence demonstrating its impact on protein function have been reported. ClinVar contains an entry for this variant (Variation ID: 3482466). Based on the evidence outlined above, the variant was classified as uncertain significance.

Ambry Genetics
Classification: Uncertain significance for Hereditary cancer-predisposing syndrome. Last evaluated: 2024-10-21. Review status: criteria provided, single submitter. Criteria: Ambry Variant Classification Scheme 2023. Collection method: clinical testing. Allele origin: germline.
Comment: The p.P47R variant (also known as c.140C>G), located in coding exon 2 of the BRIP1 gene, results from a C to G substitution at nucleotide position 140. The proline at codon 47 is replaced by arginine, an amino acid with dissimilar properties. This amino acid position is conserved. In addition, this alteration is predicted to be deleterious by in silico analysis. Based on the available evidence, the clinical significance of this variant remains unclear.